The following is an entry in ClinVar:

NM_201384.3(PLEC):c.6299C>T (p.Ala2100Val)

Gene: PLEC (plectin; minus strand). Cytogenetic location: 8q24.3.
Variant type: single nucleotide variant.
Coding change: c.6299C>T on transcript NM_201384.3 (MANE Select); coding-DNA position 6299, C replaced by T.
Protein change: p.Ala2100Val; replaces alanine 2100 with valine.
Molecular consequence: missense variant.
Genome position (GRCh38, 1-based): chr8:143,923,630, G>A on the plus strand (C>T on the coding strand, the complement: PLEC is on the minus strand). VCF-style: chr8-143923630-G-A. GRCh37 (hg19) VCF-style: chr8-144997798-G-A.
Other names: c.6380C>T, p.Ala2127Val (NM_000445.5); c.6257C>T, p.Ala2086Val (NM_201378.4); c.6233C>T, p.Ala2078Val (NM_201379.3); c.6710C>T, p.Ala2237Val (NM_201380.4); c.6203C>T, p.Ala2068Val (NM_201381.3); c.6299C>T, p.Ala2100Val (NM_201382.4); c.6311C>T, p.Ala2104Val (NM_201383.3); c.6380C>T (NM_000445.3); short protein forms A2068V, A2078V, A2086V, A2100V, A2104V, A2127V, A2237V.
Identifiers: ClinVar variation 1163307 (VCV001163307.8), dbSNP rs782711037, ClinGen allele CA4926050.

ClinVar aggregate classification (germline): Uncertain significance. Review status: criteria provided, multiple submitters, no conflicts (2 of 4 stars). 3 submissions from 3 submitters: Uncertain significance (3). Last evaluated 2025-08-23.

Conditions:
Epidermolysis bullosa simplex 5B, with muscular dystrophy (EBS5B). Also called: Epidermolysis bullosa simplex with muscular dystrophy; EPIDERMOLYSIS BULLOSA SIMPLEX AND LIMB-GIRDLE MUSCULAR DYSTROPHY. Identifiers: Orphanet 257, MedGen C2931072, MONDO:0009181, OMIM 226670.
Epidermolysis bullosa simplex with nail dystrophy (EBS5D). Identifiers: MedGen C4225309, MONDO:0014661, OMIM 616487.
Epidermolysis bullosa simplex 5C, with pyloric atresia (EBS5C). Also called: Epidermolysis bullosa simplex with pyloric atresia; PLEC-Related Epidermolysis Bullosa with Pyloric Atresia; PLEC1-Related Epidermolysis Bullosa with Pyloric Atresia. Identifiers: Orphanet 158684, MedGen C2677349, MONDO:0012807, OMIM 612138.
Epidermolysis bullosa simplex, Ogna type (EBS5A). Also called: EPIDERMOLYSIS BULLOSA SIMPLEX 5A, OGNA TYPE; Pidermolysis bullosa simplex 5A, Ogna type. Identifiers: Orphanet 79401, MedGen C0432317, MONDO:0007555, OMIM 131950.
Autosomal recessive limb-girdle muscular dystrophy type 2Q (LGMDR17). Also called: MUSCULAR DYSTROPHY, LIMB-GIRDLE, AUTOSOMAL RECESSIVE 17. Identifiers: Orphanet 254361, MedGen C3150989, MONDO:0013390, OMIM 613723.
Inborn genetic diseases. Identifiers: MedGen C0950123, MeSH D030342.

Allele frequency attached by ClinVar (database versions not stated): TOPMed 0.00002; ExAC 0.00003; gnomAD 0.00003; gnomAD exomes 0.00003 and 0.00004.
gnomAD v4.1: 54 of 1,584,712 alleles (0.0034%); highest among the groups gnomAD compares: Non-Finnish European, 0.004%; no homozygotes.

Submissions (3):

Ambry Genetics
Classification: Uncertain significance for Inborn genetic diseases. Last evaluated: 2025-08-23. Review status: criteria provided, single submitter. Criteria: Ambry Variant Classification Scheme 2023. Collection method: clinical testing. Allele origin: germline.

Labcorp Genetics (formerly Invitae), Labcorp
Classification: Uncertain significance for Autosomal recessive limb-girdle muscular dystrophy type 2Q; Epidermolysis bullosa simplex, Ogna type; Epidermolysis bullosa simplex with nail dystrophy; Epidermolysis bullosa simplex 5C, with pyloric atresia; Epidermolysis bullosa simplex 5B, with muscular dystrophy. Last evaluated: 2024-02-13. Review status: criteria provided, single submitter. Criteria: Invitae Variant Classification Sherloc (09022015). Collection method: clinical testing. Allele origin: germline.
Comment: This sequence change replaces alanine, which is neutral and non-polar, with valine, which is neutral and non-polar, at codon 2127 of the PLEC protein (p.Ala2127Val). This variant is present in population databases (rs782711037, gnomAD 0.007%). This variant has not been reported in the literature in individuals affected with PLEC-related conditions. ClinVar contains an entry for this variant (Variation ID: 1163307). An algorithm developed to predict the effect of missense changes on protein structure and function (PolyPhen-2) suggests that this variant is likely to be tolerated. In summary, the available evidence is currently insufficient to determine the role of this variant in disease. Therefore, it has been classified as a Variant of Uncertain Significance.

Mayo Clinic Laboratories, Mayo Clinic
Classification: Uncertain significance. Last evaluated: 2020-09-21. Review status: criteria provided, single submitter. Criteria: ACMG Guidelines, 2015. Collection method: clinical testing. Allele origin: germline. Observed: 1 variant allele.